The following is an entry in ClinVar:

ClinVar aggregate classification (germline): Uncertain significance (1 of 4 stars; one submission).

Conditions:
Leigh syndrome (NULS). Also called: Leigh's necrotizing encephalopathy; Leigh's disease; Leigh Syndrome (mtDNA deletion); Leigh Disease; Subacute necrotizing encephalopathy; Necrotizing encephalopathy infantile subacute of Leigh. Identifiers: Orphanet 506, MedGen C2931891, MONDO:0009723, OMIM 256000.

Submission:

Wong Mito Lab, Molecular and Human Genetics, Baylor College of Medicine
Classification: Uncertain significance for Leigh syndrome. Last evaluated: 2019-10-17. Review status: criteria provided, single submitter. Criteria: Modified ACMG Guidelines (Unpublished). Collection method: clinical testing. Allele origin: germline.
Comment: The NC_012920.1:m.7844A>T (YP_003024029.1:p.Thr87Ser) variant in MTCO2 gene is interpretated to be a Uncertain Significance variant based on the modified ACMG guidelines (unpublished). This variant meets the following evidence codes: PP7, BP4

NC_012920.1(MT-CO2):m.7844A>T

Gene: MT-CO2 (mitochondrially encoded cytochrome c oxidase II; plus strand).
Variant type: single nucleotide variant.
Genome position: chrM-7844-A-T.
Identifiers: ClinVar variation 692786 (VCV000692786.1), dbSNP rs1556423353, ClinGen allele CA414793966.